The following is an entry in ClinVar:

ClinVar aggregate classification (germline): Uncertain significance (1 of 4 stars; one submission).

gnomAD v4.1: 10 of 1,614,088 alleles (0.00062%); highest among the groups gnomAD compares: Admixed American, 0.0033%; no homozygotes.

Submission:

Labcorp Genetics (formerly Invitae), Labcorp
Classification: Uncertain significance. Last evaluated: 2025-11-19. Review status: criteria provided, single submitter. Criteria: Invitae Variant Classification Sherloc (09022015). Collection method: clinical testing. Allele origin: germline.
Comment: This sequence change replaces serine, which is neutral and polar, with phenylalanine, which is neutral and non-polar, at codon 145 of the PTHLH protein (p.Ser145Phe). This variant is present in population databases (rs771925343, gnomAD 0.003%). This variant has not been reported in the literature in individuals affected with PTHLH-related conditions. An algorithm developed to predict the effect of missense changes on protein structure and function (PolyPhen-2) suggests that this variant is likely to be disruptive. In summary, the available evidence is currently insufficient to determine the role of this variant in disease. Therefore, it has been classified as a Variant of Uncertain Significance.

NM_198965.2(PTHLH):c.434C>T (p.Ser145Phe)

Gene: PTHLH (parathyroid hormone like hormone; minus strand). Cytogenetic location: 12p11.22.
Variant type: single nucleotide variant.
Coding change: c.434C>T on transcript NM_198965.2 (MANE Select); coding-DNA position 434, C replaced by T.
Protein change: p.Ser145Phe; replaces serine 145 with phenylalanine.
Molecular consequence: missense variant.
Genome position (GRCh38, 1-based): chr12:27,963,438, G>A on the plus strand (C>T on the coding strand, the complement: PTHLH is on the minus strand). VCF-style: chr12-27963438-G-A. GRCh37 (hg19) VCF-style: chr12-28116371-G-A.
Other names: c.434C>T, p.Ser145Phe (NM_002820.3, NM_198964.2, NM_198966.2); short protein forms S145F.
Identifiers: ClinVar variation 4691319 (VCV004691319.1).